The following is an entry in ClinVar:

ClinVar aggregate classification (germline): Uncertain significance (1 of 4 stars; one submission).

Submission:

GeneDx
Classification: Uncertain significance. Last evaluated: 2024-08-27. Review status: criteria provided, single submitter. Criteria: GeneDx Variant Classification Process June 2021. Collection method: clinical testing. Allele origin: germline. Affected: yes.
Comment: Not observed at significant frequency in large population cohorts (gnomAD); In silico analysis supports that this missense variant has a deleterious effect on protein structure/function; Has not been previously published as pathogenic or benign to our knowledge

NM_181332.3(NLGN4X):c.1354C>T (p.Pro452Ser)

Gene: NLGN4X (neuroligin 4 X-linked; minus strand). Cytogenetic location: Xp22.32.
Variant type: single nucleotide variant.
Coding change: c.1354C>T on transcript NM_181332.3 (MANE Select); coding-DNA position 1354, C replaced by T.
Protein change: p.Pro452Ser; replaces proline 452 with serine.
Molecular consequence: missense variant.
Genome position (GRCh38, 1-based): chrX:5,903,324, G>A on the plus strand (C>T on the coding strand, the complement: NLGN4X is on the minus strand). VCF-style: chrX-5903324-G-A. GRCh37 (hg19) VCF-style: chrX-5821365-G-A.
Other names: c.1354C>T, p.Pro452Ser (NM_001282145.2, NM_001282146.2, NM_020742.4); short protein forms P452S.
Identifiers: ClinVar variation 3766224 (VCV003766224.1).
Genomic context (GRCh38, chrX:5,903,324, plus strand): 5'-AGGCATAGAAGTAGGTGGGGGAGCCGTACTGCGCGTGCAGGTCGGCGGTGGCCACGGCGG[G>A]GGCCACCCACTGGTGGTCAGTAAAGAGAGCCACCAGGGTTTTCCGCCGCGTCTCCGGGTT-3'
Protein context (NP_851849.1, residues 442-462): ALFTDHQWVA[Pro452Ser]AVATADLHAQ